The following is an entry in ClinVar:

ClinVar aggregate classification (germline): Uncertain significance. Review status: criteria provided, multiple submitters, no conflicts (2 of 4 stars). 2 submissions from 2 submitters: Uncertain significance (2). Last evaluated 2024-02-26.

Conditions:
Inborn genetic diseases. Identifiers: MedGen C0950123, MeSH D030342.

Allele frequency attached by ClinVar (database versions not stated): gnomAD exomes 0.00001.

Submissions (2):

Ambry Genetics
Classification: Uncertain significance for Inborn genetic diseases. Last evaluated: 2024-02-26. Review status: criteria provided, single submitter. Criteria: Ambry Variant Classification Scheme 2023. Collection method: clinical testing. Allele origin: germline.

Labcorp Genetics (formerly Invitae), Labcorp
Classification: Uncertain significance. Last evaluated: 2021-07-17. Review status: criteria provided, single submitter. Criteria: Invitae Variant Classification Sherloc (09022015). Collection method: clinical testing. Allele origin: germline.
Comment: This variant is not present in population databases (ExAC no frequency). In summary, the available evidence is currently insufficient to determine the role of this variant in disease. Therefore, it has been classified as a Variant of Uncertain Significance. Algorithms developed to predict the effect of missense changes on protein structure and function are either unavailable or do not agree on the potential impact of this missense change (SIFT: "Tolerated"; PolyPhen-2: "Probably Damaging"; Align-GVGD: "Class C0"). This variant has not been reported in the literature in individuals affected with FRMD7-related conditions. This sequence change replaces proline with serine at codon 502 of the FRMD7 protein (p.Pro502Ser). The proline residue is moderately conserved and there is a moderate physicochemical difference between proline and serine.

NM_194277.3(FRMD7):c.1504C>T (p.Pro502Ser)

Gene: FRMD7 (FERM domain containing 7; minus strand). Cytogenetic location: Xq26.2.
Variant type: single nucleotide variant.
Coding change: c.1504C>T on transcript NM_194277.3 (MANE Select); coding-DNA position 1504, C replaced by T.
Protein change: p.Pro502Ser; replaces proline 502 with serine.
Molecular consequence: missense variant.
Genome position (GRCh38, 1-based): chrX:132,078,513, G>A on the plus strand (C>T on the coding strand, the complement: FRMD7 is on the minus strand). VCF-style: chrX-132078513-G-A. GRCh37 (hg19) VCF-style: chrX-131212541-G-A.
Other names: c.1459C>T, p.Pro487Ser (NM_001306193.2); c.1504C>T (NM_194277.2); short protein forms P487S, P502S.
Identifiers: ClinVar variation 1368005 (VCV001368005.9), dbSNP rs2124208438, ClinGen allele CA414678938.